The following is an entry in ClinVar:

NM_001999.4(FBN2):c.1391G>A (p.Gly464Asp)

Gene: FBN2 (fibrillin 2; minus strand). Cytogenetic location: 5q23.3.
Variant type: single nucleotide variant.
Coding change: c.1391G>A on transcript NM_001999.4 (MANE Select); coding-DNA position 1391, G replaced by A.
Protein change: p.Gly464Asp; replaces glycine 464 with aspartic acid.
Molecular consequence: missense variant.
Genome position (GRCh38, 1-based): chr5:128,393,209, C>T on the plus strand (G>A on the coding strand, the complement: FBN2 is on the minus strand). VCF-style: chr5-128393209-C-T. GRCh37 (hg19) VCF-style: chr5-127728902-C-T.
Other names: short protein forms G464D.
Identifiers: ClinVar variation 426766 (VCV000426766.8), dbSNP rs748584140, ClinGen allele CA3395812.

ClinVar aggregate classification (germline): Conflicting classifications of pathogenicity. Review status: criteria provided, conflicting classifications (1 of 4 stars). 2 submissions from 2 submitters: Uncertain significance (1); Likely benign (1). Last evaluated 2025-12-20.

Conditions:
Congenital contractural arachnodactyly (CCA). Also called: Arthrogryposis, distal, type 9; BEALS SYNDROME; Beals-Hecht syndrome. Identifiers: Orphanet 115, MedGen C0220668, MONDO:0007363, OMIM 121050.

Allele frequency attached by ClinVar (database versions not stated): ExAC 0.00001; gnomAD 0.00001; gnomAD exomes 0.00002; TOPMed 0.00002.
gnomAD v4.1: 27 of 1,614,074 alleles (0.0017%); highest among the groups gnomAD compares: Non-Finnish European, 0.0023%; no homozygotes.

Submissions (2):

Labcorp Genetics (formerly Invitae), Labcorp
Classification: Likely benign for Congenital contractural arachnodactyly. Last evaluated: 2025-12-20. Review status: criteria provided, single submitter. Criteria: Invitae Variant Classification Sherloc (09022015). Collection method: clinical testing. Allele origin: germline.

GeneDx
Classification: Uncertain significance. Last evaluated: 2024-09-16. Review status: criteria provided, single submitter. Criteria: GeneDx Variant Classification Process June 2021. Collection method: clinical testing. Allele origin: germline. Affected: yes.
Comment: Has not been previously published as pathogenic or benign to our knowledge; Not observed at significant frequency in large population cohorts (gnomAD); In silico analysis indicates that this missense variant does not alter protein structure/function